The following is an entry in ClinVar:

ClinVar aggregate classification (germline): Conflicting classifications of pathogenicity. Review status: criteria provided, conflicting classifications (1 of 4 stars). 3 submissions from 3 submitters: Likely pathogenic (1); Uncertain significance (2). Last evaluated 2025-11-13.

Conditions:
ACCES syndrome (ACCES). Also called: APLASIA CUTIS CONGENITA WITH ECTRODACTYLY SKELETAL SYNDROME. Identifiers: MedGen C5677019, MONDO:0859262, OMIM 619959.

Submissions (3):

GeneDx
Classification: Uncertain significance. Last evaluated: 2025-11-13. Review status: criteria provided, single submitter. Criteria: GeneDx Variant Classification Process June 2021. Collection method: clinical testing. Allele origin: germline. Affected: yes.
Comment: Not observed at significant frequency in large population cohorts (gnomAD); In silico analysis supports that this missense variant has a deleterious effect on protein structure/function; Has not been previously published as pathogenic or benign to our knowledge

Undiagnosed Diseases Network, NIH
Classification: Likely pathogenic for ACCES syndrome. Last evaluated: 2024-10-04. Review status: criteria provided, single submitter. Criteria: ACMG Guidelines, 2015. Collection method: clinical testing. Allele origin: paternal. Affected: yes. Observed: 1 heterozygote. Study: Undiagnosed Diseases Network (NIH), UDN.
Comment: Missense variant in a gene where missense variants have been shown to cause disruption of function.

Baylor Genetics
Classification: Uncertain significance for ACCES syndrome. Last evaluated: 2024-01-25. Review status: criteria provided, single submitter. Criteria: ACMG Guidelines, 2015. Collection method: clinical testing. Allele origin: unknown.

NM_005499.3(UBA2):c.1834A>T (p.Arg612Trp)

Gene: UBA2 (ubiquitin like modifier activating enzyme 2; plus strand). Cytogenetic location: 19q13.11.
Variant type: single nucleotide variant.
Coding change: c.1834A>T on transcript NM_005499.3 (MANE Select); coding-DNA position 1834, A replaced by T.
Protein change: p.Arg612Trp; replaces arginine 612 with tryptophan.
Molecular consequence: missense variant.
Genome position (GRCh38, 1-based): chr19:34,469,132, A>T. VCF-style: chr19-34469132-A-T. GRCh37 (hg19) VCF-style: chr19-34960037-A-T.
Other names: p.Arg612Trp; c.1546A>T, p.Arg516Trp (NM_001411139.1); c.1834A>T (NM_005499.2); short protein forms R516W, R612W.
Identifiers: ClinVar variation 3238810 (VCV003238810.5), dbSNP rs2513988291.